The following is an entry in ClinVar:

ClinVar aggregate classification (germline): Likely benign. Review status: criteria provided, multiple submitters, no conflicts (2 of 4 stars). 3 submissions from 3 submitters: Likely benign (2). 1 of the submissions does not count toward it. Last evaluated 2025-02-10.

Conditions:
CD164-related disorder. Also called: CD164-related condition.

Allele frequency attached by ClinVar (database versions not stated): gnomAD exomes 0.00001 and 0.00009; ExAC 0.00012; TOPMed 0.00035; ESP Exome Variant Server 0.00038; gnomAD 0.00038 and 0.00041; 1000 Genomes Project 0.00120; 1000 Genomes Project 30x 0.00125.
gnomAD v4.1: 81 of 1,612,890 alleles (0.005%); highest among the groups gnomAD compares: African/African-American, 0.089%; no homozygotes.

Submissions (3):

Labcorp Genetics (formerly Invitae), Labcorp
Classification: Likely benign. Last evaluated: 2025-02-10. Review status: criteria provided, single submitter. Criteria: Invitae Variant Classification Sherloc (09022015). Collection method: clinical testing. Allele origin: germline.

Blueprint Genetics
Classification: Likely benign. Last evaluated: 2023-05-29. Review status: criteria provided, single submitter. Criteria: ACMG Guidelines, 2015. Collection method: clinical testing. Allele origin: germline.

PreventionGenetics, part of Exact Sciences
Classification: Likely benign for CD164-related condition. Last evaluated: 2024-07-17. Review status: no assertion criteria provided. Collection method: clinical testing. Allele origin: germline. Not counted in ClinVar's aggregate classification.
Comment: This variant is classified as likely benign based on ACMG/AMP sequence variant interpretation guidelines (Richards et al. 2015 PMID: 25741868, with internal and published modifications).

NM_006016.6(CD164):c.414A>G (p.Thr138=)

Gene: CD164 (CD164 molecule; minus strand). Cytogenetic location: 6q21.
Variant type: single nucleotide variant.
Coding change: c.414A>G on transcript NM_006016.6 (MANE Select); coding-DNA position 414, A replaced by G.
Protein change: p.Thr138=; no amino-acid change (threonine 138 retained).
Molecular consequence: synonymous variant. On other transcripts: intron variant (1).
Genome position (GRCh38, 1-based): chr6:109,370,424, T>C on the plus strand (A>G on the coding strand, the complement: CD164 is on the minus strand). VCF-style: chr6-109370424-T-C. GRCh37 (hg19) VCF-style: chr6-109691627-T-C.
Other names: c.375A>G, p.Thr125= (NM_001142401.3); c.414A>G, p.Thr138= (NM_001142403.3, NM_001142404.3); c.312A>G, p.Thr104= (NM_001346500.2); c.371-1407A>G (NM_001142402.3); c.414A>G (NM_006016.5).
Identifiers: ClinVar variation 1549730 (VCV001549730.10), dbSNP rs145269975, ClinGen allele CA3951544.